The following is an entry in ClinVar:

NM_017654.4(SAMD9):c.4301T>C (p.Leu1434Pro)

Gene: SAMD9 (sterile alpha motif domain containing 9; minus strand). Cytogenetic location: 7q21.2.
Variant type: single nucleotide variant.
Coding change: c.4301T>C on transcript NM_017654.4 (MANE Select); coding-DNA position 4301, T replaced by C.
Protein change: p.Leu1434Pro; replaces leucine 1434 with proline.
Molecular consequence: missense variant.
Genome position (GRCh38, 1-based): chr7:93,101,797, A>G on the plus strand (T>C on the coding strand, the complement: SAMD9 is on the minus strand). VCF-style: chr7-93101797-A-G. GRCh37 (hg19) VCF-style: chr7-92731110-A-G.
Other names: c.4301T>C, p.Leu1434Pro (NM_001193307.2); short protein forms L1434P.
Identifiers: ClinVar variation 3437077 (VCV003437077.1).
Genomic context (GRCh38, chr7:93,101,797, plus strand): 5'-TTCATTTGTTCAGAATGTTGATCTAGTTGTTGATTTTCTGGCCAGAATAAGAGGGAAGCT[A>G]GAAAATACGGTTCTGAAAACTGATAAGTCAGTCCTATTGGTTGCAAGACTTCTCGAAGCT-3'
Protein context (NP_060124.2, residues 1424-1444): LTYQFSEPYF[Leu1434Pro]ASLLFWPENQ

ClinVar aggregate classification (germline): Uncertain significance (1 of 4 stars; one submission).

Conditions:
Inborn genetic diseases. Identifiers: MedGen C0950123, MeSH D030342.

gnomAD v4.1: 7 of 1,613,890 alleles (0.00043%); highest among the groups gnomAD compares: Non-Finnish European, 0.00059%; no homozygotes.

Submission:

Ambry Genetics
Classification: Uncertain significance for Inborn genetic diseases. Last evaluated: 2024-12-04. Review status: criteria provided, single submitter. Criteria: Ambry Variant Classification Scheme 2023. Collection method: clinical testing. Allele origin: germline.
Comment: The p.L1434P variant (also known as c.4301T>C), located in coding exon 1 of the SAMD9 gene, results from a T to C substitution at nucleotide position 4301. The leucine at codon 1434 is replaced by proline, an amino acid with similar properties. This amino acid position is conserved. In addition, the in silico prediction for this alteration is inconclusive. Based on the available evidence, the clinical significance of this variant remains unclear.